The following is an entry in ClinVar:

ClinVar aggregate classification (germline): Uncertain significance (1 of 4 stars; one submission).

Conditions:
Glycogen storage disease type III (GSD3). Also called: Cori disease; FORBES DISEASE. Identifiers: Orphanet 366, MedGen C0017922, MONDO:0009291, OMIM 232400.

gnomAD v4.1: 4 of 1,613,766 alleles (0.00025%); highest among the groups gnomAD compares: African/African-American, 0.0013%; no homozygotes.

Submission:

Labcorp Genetics (formerly Invitae), Labcorp
Classification: Uncertain significance for Glycogen storage disease type III. Last evaluated: 2025-12-16. Review status: criteria provided, single submitter. Criteria: Invitae Variant Classification Sherloc (09022015). Collection method: clinical testing. Allele origin: germline.
Comment: This sequence change replaces isoleucine, which is neutral and non-polar, with threonine, which is neutral and polar, at codon 211 of the AGL protein (p.Ile211Thr). This variant is not present in population databases (gnomAD no frequency). This variant has not been reported in the literature in individuals affected with AGL-related conditions. Invitae Evidence Modeling of protein sequence and biophysical properties (such as structural, functional, and spatial information, amino acid conservation, physicochemical variation, residue mobility, and thermodynamic stability) indicates that this missense variant is not expected to disrupt AGL protein function with a negative predictive value of 80%. In summary, the available evidence is currently insufficient to determine the role of this variant in disease. Therefore, it has been classified as a Variant of Uncertain Significance.

NM_000642.3(AGL):c.632T>C (p.Ile211Thr)

Gene: AGL (amylo-alpha-1,6-glucosidase and 4-alpha-glucanotransferase; plus strand). Cytogenetic location: 1p21.2.
Variant type: single nucleotide variant.
Coding change: c.632T>C on transcript NM_000642.3 (MANE Select); coding-DNA position 632, T replaced by C.
Protein change: p.Ile211Thr; replaces isoleucine 211 with threonine.
Molecular consequence: missense variant. On other transcripts: intron variant (2).
Genome position (GRCh38, 1-based): chr1:99,864,557, T>C. VCF-style: chr1-99864557-T-C. GRCh37 (hg19) VCF-style: chr1-100330113-T-C.
Other names: c.632T>C, p.Ile211Thr (NM_000028.3, NM_000643.3, NM_000644.3 and 3 more transcripts); c.584T>C, p.Ile195Thr (NM_000646.3); c.254T>C, p.Ile85Thr (NM_001425332.1); c.460+2134T>C (NM_001425328.1, NM_001425329.1); short protein forms I195T, I211T, I85T.
Identifiers: ClinVar variation 4707320 (VCV004707320.1).